The following is an entry in ClinVar:

ClinVar aggregate classification (germline): Likely pathogenic. Review status: criteria provided, multiple submitters, no conflicts (2 of 4 stars). 2 submissions from 2 submitters: Likely pathogenic (2). Last evaluated 2025-08-04.

Conditions:
Inborn glycerol kinase deficiency. Also called: GK DEFICIENCY; GK1 DEFICIENCY; Deficiency of glycerol kinase; Hyperglycerolemia. Identifiers: Orphanet 308993, Orphanet 408, MedGen C0268418, MONDO:0010613, OMIM 307030, HP:0040302.

Submissions (2):

Institute of Clinical Chemistry and Institute of Clinical Molecular Biology, University Hospital Schleswig-Holstein, Campus Kiel
Classification: Likely pathogenic for Inborn glycerol kinase deficiency. Last evaluated: 2025-08-04. Review status: criteria provided, single submitter. Criteria: ACMG Guidelines, 2015. Collection method: clinical testing. Allele origin: germline. Observed: 1 variant allele.
Comment: Applied ACMG criteria: PSV1, PM2_Supporting

Baylor Genetics
Classification: Likely pathogenic for Inborn glycerol kinase deficiency. Last evaluated: 2023-12-23. Review status: criteria provided, single submitter. Criteria: ACMG Guidelines, 2015. Collection method: clinical testing. Allele origin: unknown.

NM_001205019.2(GK):c.443dup (p.Tyr148Ter)

Gene: GK (glycerol kinase; plus strand). Cytogenetic location: Xp21.2.
Variant type: Duplication.
Coding change: c.443dup on transcript NM_001205019.2 (MANE Select); coding-DNA position 443, one base duplicated (A; older notation c.443dupA).
Protein change: p.Tyr148Ter; replaces tyrosine 148 with a stop codon.
Molecular consequence: nonsense. On other transcripts: non-coding transcript variant (7).
Genome position (GRCh38, 1-based): chrX:30,694,428, A duplicated. VCF-style (leftmost placement, unchanged base first): chrX-30694427-T-TA. GRCh37 (hg19) VCF-style: chrX-30712544-T-TA.
Other names: c.443dup, p.Tyr148Ter (NM_000167.6, NM_001128127.3, NM_203391.4); c.527dup, p.Tyr176Ter (NM_001399987.1); short protein forms Y148*, Y176*.
Identifiers: ClinVar variation 3238767 (VCV003238767.2), dbSNP rs2519279079.
Genomic context (GRCh38, chrX:30,694,427, plus strand): 5'-TCATTTGCTAACTGAACTTCACAACTGTTTTAGTCCAAGACAGGCCTTCCACTTAGCACT[T>TA]ACTTCAGTGCAGTGAAACTTCGTTGGCTCCTTGACAATGTGAGAAAAGTTCAAAAGGCCG-3'